The following is an entry in ClinVar:

NM_004959.5(NR5A1):c.983G>T (p.Gly328Val)

Gene: NR5A1 (nuclear receptor subfamily 5 group A member 1; minus strand). Cytogenetic location: 9q33.3.
Variant type: single nucleotide variant.
Coding change: c.983G>T on transcript NM_004959.5 (MANE Select); coding-DNA position 983, G replaced by T.
Protein change: p.Gly328Val; replaces glycine 328 with valine.
Molecular consequence: missense variant.
Genome position (GRCh38, 1-based): chr9:124,493,037, C>A on the plus strand (G>T on the coding strand, the complement: NR5A1 is on the minus strand). VCF-style: chr9-124493037-C-A. GRCh37 (hg19) VCF-style: chr9-127255316-C-A.
Other names: short protein forms G328V.
Identifiers: ClinVar variation 1699288 (VCV001699288.3), dbSNP rs2131279852, ClinGen allele CA374881904.

ClinVar aggregate classification (germline): Pathogenic (1 of 4 stars; one submission).

Conditions:
46,XY sex reversal 3. Also called: 46,XY GONADAL DYSGENESIS, PARTIAL OR COMPLETE, WITH OR WITHOUT ADRENAL FAILURE; DISORDER OF SEX DEVELOPMENT, 46,XY, NR5A1-RELATED; NR5A1-related 46,XY complete gonadal dysgenesis; 46,XY SEX REVERSAL, PARTIAL OR COMPLETE, NR5A1-RELATED; SEX REVERSAL, XY, WITH OR WITHOUT ADRENAL FAILURE. Identifiers: MedGen C3489793, MONDO:0013066, OMIM 612965.

Submission:

Victorian Clinical Genetics Services, Murdoch Childrens Research Institute
Classification: Pathogenic for 46,XY sex reversal 3. Last evaluated: 2022-02-02. Review status: criteria provided, single submitter. Criteria: ACMG Guidelines, 2015. Collection method: clinical testing. Allele origin: germline. Inheritance: Autosomal dominant inheritance. Affected: yes.
Comment: Based on the classification scheme VCGS_Germline_v1.3.4, this variant is classified as Pathogenic. Following criteria are met: 0102 - Loss of function is a known mechanism of disease in this gene and is associated with NR5A1-related differences of sex development (OMIM). (I) 0107 - This gene is associated with autosomal dominant disease. (I) 0112 - The condition associated with this gene has incomplete penetrance. Unaffected carriers have been reported in a number of families (PMID: 31513305). (I) 0115 - Variants in this gene are known to have variable expressivity. Intrafamilial variability has been reported (PMID: 31513305). (I) 0200 - Variant is predicted to result in a missense amino acid change from glycine to valine. (I) 0251 - This variant is heterozygous. (I) 0301 - Variant is absent from gnomAD (both v2 and v3). (SP) 0309 - An alternative amino acid change at the same position has been observed in gnomAD (v3) (1 heterozygote, 0 homozygotes). (I) 0501 - Missense variant consistently predicted to be damaging by multiple in silico tools or highly conserved with a major amino acid change. (SP) 0600 - Variant is located in the annotated ligand binding domain (UniProt, NCBI). (I) 0702 - Other missense variants comparable to the one identified in this case have strong previous evidence for pathogenicity. These alternative changes (p.Gly328Arg, p.Gly328Trp) have been reported as likely pathogenic (ClinVar), and observed in at least four individuals with ambiguous external genitalia. In two of these individuals, the variant was confirmed to have arisen de novo (PMID: 30425642, PMID: 29935645, PMID: 31745530, Ortolano R, et al. (2017)). (SP) 0803 - This variant has limited previous evidence of pathogenicity in an individual. (SP) 0905 - No published segregation evidence has been identified for this variant. (I) 1002 - This variant has moderate functional evidence supporting abnormal protein function. Transfected TSA-201 cells show significantly reduced transcriptional activity (PMID: 22474171). (SP) Legend: (SP) - Supporting pathogenic, (I) - Information, (SB) - Supporting benign

Literature cited by the submitters: PubMed 22474171; PubMed 29935645; PubMed 30425642; PubMed 31513305; PubMed 31745530.